The following is an entry in ClinVar:

ClinVar aggregate classification (germline): Pathogenic/Likely pathogenic. Review status: criteria provided, multiple submitters, no conflicts (2 of 4 stars). 2 submissions from 2 submitters: Pathogenic (1); Likely pathogenic (1). Last evaluated 2025-03-25.

Conditions:
DICER1-related tumor predisposition. Also called: DICER1 syndrome; DICER1-related pleuropulmonary blastoma cancer predisposition syndrome. Identifiers: Orphanet 284343, MedGen C3839822, MONDO:0100216.

Submissions (2):

Labcorp Genetics (formerly Invitae), Labcorp
Classification: Pathogenic for DICER1-related tumor predisposition. Last evaluated: 2025-03-25. Review status: criteria provided, single submitter. Criteria: Invitae Variant Classification Sherloc (09022015). Collection method: clinical testing. Allele origin: germline.
Comment: This sequence change creates a premature translational stop signal (p.Tyr1330*) in the DICER1 gene. It is expected to result in an absent or disrupted protein product. Loss-of-function variants in DICER1 are known to be pathogenic (PMID: 19556464, 21266384). This variant is not present in population databases (gnomAD no frequency). This variant has not been reported in the literature in individuals affected with DICER1-related conditions. For these reasons, this variant has been classified as Pathogenic.

Institute for Genomic Medicine (IGM) Clinical Laboratory, Nationwide Children's Hospital
Classification: Likely pathogenic for DICER1-related tumor predisposition. Last evaluated: 2024-12-05. Review status: criteria provided, single submitter. Criteria: ACMG Guidelines, 2015. Collection method: clinical testing. Allele origin: germline.
Comment: This variant is predicted to result in loss of function through nonsense-mediated decay of the encoded transcript or premature truncation of the encoded protein in a gene in which loss of function is a known mechanism of disease (ACMG/AMP: PVS1; PMIDs:26925222, 31342592). This variant is absent from or present at an exceedingly low frequency in gnomAD, a large-scale control population database (ACMG/AMP: PM2).

Literature cited by the submitters: PubMed 19556464 (cited by Labcorp Genetics (formerly Invitae), Labcorp); PubMed 21266384 (cited by Labcorp Genetics (formerly Invitae), Labcorp); PubMed 26925222 (cited by Institute for Genomic Medicine (IGM) Clinical Laboratory, Nationwide Children's Hospital); PubMed 31342592 (cited by Institute for Genomic Medicine (IGM) Clinical Laboratory, Nationwide Children's Hospital).

NM_177438.3(DICER1):c.3990T>A (p.Tyr1330Ter)

Gene: DICER1 (dicer 1, ribonuclease III; minus strand). Cytogenetic location: 14q32.13.
Variant type: single nucleotide variant.
Coding change: c.3990T>A on transcript NM_177438.3 (MANE Select); coding-DNA position 3990, T replaced by A.
Protein change: p.Tyr1330Ter; replaces tyrosine 1330 with a stop codon.
Molecular consequence: nonsense. On other transcripts: non-coding transcript variant (6).
Genome position (GRCh38, 1-based): chr14:95,103,406, A>T on the plus strand (T>A on the coding strand, the complement: DICER1 is on the minus strand). VCF-style: chr14-95103406-A-T. GRCh37 (hg19) VCF-style: chr14-95569743-A-T.
Other names: c.3990T>A, p.Tyr1330Ter (NM_001195573.1, NM_001271282.3, NM_001291628.2 and 12 more transcripts); c.3708T>A, p.Tyr1236Ter (NM_001395686.1); c.3585T>A, p.Tyr1195Ter (NM_001395687.1, NM_001395688.1, NM_001395689.1 and 2 more transcripts); c.3423T>A, p.Tyr1141Ter (NM_001395691.1); c.2307T>A, p.Tyr769Ter (NM_001395697.1); short protein forms Y1330*, Y1195*, Y1236*, Y1141*, Y769*.
Identifiers: ClinVar variation 4715870 (VCV004715870.1).